The following is an entry in ClinVar:

NM_024915.4(GRHL2):c.1337G>A (p.Cys446Tyr)

Gene: GRHL2 (grainyhead like transcription factor 2; plus strand). Cytogenetic location: 8q22.3.
Variant type: single nucleotide variant.
Coding change: c.1337G>A on transcript NM_024915.4 (MANE Select); coding-DNA position 1337, G replaced by A.
Protein change: p.Cys446Tyr; replaces cysteine 446 with tyrosine.
Molecular consequence: missense variant.
Genome position (GRCh38, 1-based): chr8:101,631,716, G>A. VCF-style: chr8-101631716-G-A. GRCh37 (hg19) VCF-style: chr8-102643944-G-A.
Other names: c.1289G>A, p.Cys430Tyr (NM_001330593.2); short protein forms C430Y, C446Y.
Identifiers: ClinVar variation 1064895 (VCV001064895.3), dbSNP rs543526703, ClinGen allele CA182429697.

ClinVar aggregate classification (germline): Uncertain significance (1 of 4 stars; one submission).

Conditions:
Hearing impairment. Also called: Impaired Hearing. Identifiers: MedGen C1384666, MONDO:0005365, HP:0000365.

Allele frequency attached by ClinVar (database versions not stated): gnomAD exomes below 0.00001 and 0.00002; gnomAD 0.00001; TOPMed 0.00001.
gnomAD v4.1: 25 of 1,612,860 alleles (0.0016%); highest among the groups gnomAD compares: Non-Finnish European, 0.0021%; no homozygotes.

Submission:

Department of Otolaryngology – Head & Neck Surgery, Cochlear Implant Center
Classification: Uncertain significance for Hearing impairment. Last evaluated: 2021-04-12. Review status: criteria provided, single submitter. Criteria: ClinGen HL ACMG Specifications v1. Collection method: clinical testing. Allele origin: germline. Affected: yes.
Comment: PM2_Moderate, BP4_Supporting